The following is an entry in ClinVar:

NM_021939.4(FKBP10):c.836G>A (p.Cys279Tyr)

Gene: FKBP10 (FKBP prolyl isomerase 10; plus strand). Cytogenetic location: 17q21.2.
Variant type: single nucleotide variant.
Coding change: c.836G>A on transcript NM_021939.4 (MANE Select); coding-DNA position 836, G replaced by A.
Protein change: p.Cys279Tyr; replaces cysteine 279 with tyrosine.
Molecular consequence: missense variant.
Genome position (GRCh38, 1-based): chr17:41,819,318, G>A. VCF-style: chr17-41819318-G-A. GRCh37 (hg19) VCF-style: chr17-39975570-G-A.
Other names: c.836G>A (NM_021939.3); short protein forms C279Y.
Identifiers: ClinVar variation 1377516 (VCV001377516.8), dbSNP rs201214666, ClinGen allele CA8566383.
Genomic context (GRCh38, chr17:41,819,318, plus strand): 5'-TTGACGTGCACAACCCGAAGGACGCTGTCCAGCTAGAGACGCTGGAGCTCCCCCCCGGCT[G>A]TGTCCGCAGAGCCGGGGCCGGGGACTTCATGCGCTACCACTACAATGGCTCCTTGATGGA-3'
Protein context (NP_068758.3, residues 269-289): QLETLELPPG[Cys279Tyr]VRRAGAGDFM

ClinVar aggregate classification (germline): Uncertain significance. Review status: criteria provided, multiple submitters, no conflicts (2 of 4 stars). 3 submissions from 3 submitters: Uncertain significance (3). Last evaluated 2025-10-07.

Conditions:
Inborn genetic diseases. Identifiers: MedGen C0950123, MeSH D030342.

Allele frequency attached by ClinVar (database versions not stated): ExAC 0.00003; gnomAD 0.00004; gnomAD exomes 0.00004 and 0.00010; TOPMed 0.00004; ESP Exome Variant Server 0.00008.
gnomAD v4.1: 169 of 1,613,988 alleles (0.01%); highest among the groups gnomAD compares: Non-Finnish European, 0.013%; no homozygotes.

Submissions (3):

Ambry Genetics
Classification: Uncertain significance for Inborn genetic diseases. Last evaluated: 2025-10-07. Review status: criteria provided, single submitter. Criteria: Ambry Variant Classification Scheme 2023. Collection method: clinical testing. Allele origin: germline.

Blueprint Genetics
Classification: Uncertain significance. Last evaluated: 2023-09-01. Review status: criteria provided, single submitter. Criteria: ACMG Guidelines, 2015. Collection method: clinical testing. Allele origin: germline.

Labcorp Genetics (formerly Invitae), Labcorp
Classification: Uncertain significance. Last evaluated: 2021-09-24. Review status: criteria provided, single submitter. Criteria: Invitae Variant Classification Sherloc (09022015). Collection method: clinical testing. Allele origin: germline.
Comment: This sequence change replaces cysteine with tyrosine at codon 279 of the FKBP10 protein (p.Cys279Tyr). The cysteine residue is highly conserved and there is a large physicochemical difference between cysteine and tyrosine. This variant is present in population databases (rs201214666, ExAC 0.006%). This variant has not been reported in the literature in individuals with FKBP10-related conditions. Algorithms developed to predict the effect of missense changes on protein structure and function (SIFT, PolyPhen-2, Align-GVGD) all suggest that this variant is likely to be disruptive, but these predictions have not been confirmed by published functional studies and their clinical significance is uncertain. In summary, the available evidence is currently insufficient to determine the role of this variant in disease. Therefore, it has been classified as a Variant of Uncertain Significance.